The following is an entry in ClinVar:

ClinVar aggregate classification (germline): Likely benign (0 of 4 stars; one submission).

Conditions:
ROBO4-related disorder. Also called: ROBO4-related condition.

Allele frequency attached by ClinVar (database versions not stated): ESP Exome Variant Server 0.00008.

Submission:

PreventionGenetics, part of Exact Sciences
Classification: Likely benign for ROBO4-related condition. Last evaluated: 2019-09-13. Review status: no assertion criteria provided. Collection method: clinical testing. Allele origin: germline.
Comment: This variant is classified as likely benign based on ACMG/AMP sequence variant interpretation guidelines (Richards et al. 2015 PMID: 25741868, with internal and published modifications).

NM_019055.6(ROBO4):c.2100G>T (p.Pro700=)

Gene: ROBO4 (roundabout guidance receptor 4; minus strand). Cytogenetic location: 11q24.2.
Variant type: single nucleotide variant.
Coding change: c.2100G>T on transcript NM_019055.6 (MANE Select); coding-DNA position 2100, G replaced by T.
Protein change: p.Pro700=; no amino-acid change (proline 700 retained).
Molecular consequence: synonymous variant.
Genome position (GRCh38, 1-based): chr11:124,887,456, C>A on the plus strand (G>T on the coding strand, the complement: ROBO4 is on the minus strand). VCF-style: chr11-124887456-C-A. GRCh37 (hg19) VCF-style: chr11-124757352-C-A.
Other names: c.1665G>T, p.Pro555= (NM_001301088.2).
Identifiers: ClinVar variation 3040164 (VCV003040164.2), dbSNP rs377742325, ClinGen allele CA6344695.